The following is an entry in ClinVar:

NM_003611.3(OFD1):c.1347A>G (p.Ala449=)

Gene: OFD1 (OFD1 centriole and centriolar satellite protein; plus strand). Cytogenetic location: Xp22.2.
Variant type: single nucleotide variant.
Coding change: c.1347A>G on transcript NM_003611.3 (MANE Select); coding-DNA position 1347, A replaced by G.
Protein change: p.Ala449=; no amino-acid change (alanine 449 retained).
Molecular consequence: synonymous variant.
Genome position (GRCh38, 1-based): chrX:13,756,703, A>G. VCF-style: chrX-13756703-A-G. GRCh37 (hg19) VCF-style: chrX-13774822-A-G.
Other names: c.1227A>G, p.Ala409= (NM_001330209.2); c.927A>G, p.Ala309= (NM_001330210.2).
Identifiers: ClinVar variation 994698 (VCV000994698.13), dbSNP rs151287373, ClinGen allele CA10351799.

ClinVar aggregate classification (germline): Likely benign. Review status: criteria provided, multiple submitters, no conflicts (2 of 4 stars). 7 submissions from 7 submitters: Likely benign (6). 1 of the submissions does not count toward it. Last evaluated 2026-02-04.

Conditions:
Orofaciodigital syndrome I (OFD1). Also called: Papillon-Leage and Psaume Syndrome; OFDS I; Oral-Facial-Digital Syndrome Type I. Identifiers: Orphanet 2750, MedGen C1510460, MONDO:0010702, OMIM 311200.
Retinitis pigmentosa 23 (RP23). Identifiers: Orphanet 791, MedGen C1419610, MONDO:0010320, OMIM 300424.
Simpson-Golabi-Behmel syndrome type 2. Identifiers: Orphanet 79022, MedGen C1846175, MONDO:0010265, OMIM 300209.
Joubert syndrome 10 (JBTS10). Identifiers: Orphanet 2754, MedGen C2749019, MONDO:0010431, OMIM 300804.
Joubert syndrome. Also called: JOUBERT-BOLTSHAUSER SYNDROME; Familial aplasia of the vermis. Identifiers: Orphanet 475, MedGen C5979921, MONDO:0018772.
OFD1-related disorder. Also called: OFD1-related condition.

Allele frequency attached by ClinVar (database versions not stated): ExAC 0.00001; gnomAD exomes 0.00001 and 0.00003; TOPMed 0.00003; gnomAD 0.00005; ESP Exome Variant Server 0.00019.
gnomAD v4.1: 38 of 1,207,403 alleles (0.0031%); highest among the groups gnomAD compares: African/African-American, 0.0052%; no homozygotes.

Submissions (7):

Women's Health and Genetics/Laboratory Corporation of America, LabCorp
Classification: Likely benign. Last evaluated: 2026-02-04. Review status: criteria provided, single submitter. Criteria: LabCorp Variant Classification Summary - May 2015. Collection method: clinical testing. Allele origin: germline.

CeGaT Center for Human Genetics Tuebingen
Classification: Likely benign. Last evaluated: 2026-02-01. Review status: criteria provided, single submitter. Criteria: CeGaT Center For Human Genetics Tuebingen Variant Classification Criteria Version 2. Collection method: clinical testing. Allele origin: germline. Affected: yes. Observed: 1 variant allele.
Comment: OFD1: BP4, BP7, BS2

Labcorp Genetics (formerly Invitae), Labcorp
Classification: Likely benign for Orofaciodigital syndrome I; Joubert syndrome. Last evaluated: 2025-09-02. Review status: criteria provided, single submitter. Criteria: Invitae Variant Classification Sherloc (09022015). Collection method: clinical testing. Allele origin: germline.

Blueprint Genetics
Classification: Likely benign. Last evaluated: 2023-06-01. Review status: criteria provided, single submitter. Criteria: ACMG Guidelines, 2015. Collection method: clinical testing. Allele origin: germline.

Fulgent Genetics
Classification: Likely benign for Simpson-Golabi-Behmel syndrome type 2; Retinitis pigmentosa 23; Joubert syndrome 10; Orofaciodigital syndrome I. Last evaluated: 2021-10-01. Review status: criteria provided, single submitter. Criteria: ACMG Guidelines, 2015. Collection method: clinical testing. Allele origin: unknown.

Athena Diagnostics
Classification: Likely benign. Last evaluated: 2019-12-30. Review status: criteria provided, single submitter. Criteria: Athena Diagnostics Criteria. Collection method: clinical testing. Allele origin: unknown.

PreventionGenetics, part of Exact Sciences
Classification: Likely benign for OFD1-related condition. Last evaluated: 2019-09-05. Review status: no assertion criteria provided. Collection method: clinical testing. Allele origin: germline. Not counted in ClinVar's aggregate classification.
Comment: This variant is classified as likely benign based on ACMG/AMP sequence variant interpretation guidelines (Richards et al. 2015 PMID: 25741868, with internal and published modifications).